The following is an entry in ClinVar:

ClinVar aggregate classification (germline): Likely benign (0 of 4 stars; one submission).

Conditions:
DROSHA-related disorder. Also called: DROSHA-related condition.

Allele frequency attached by ClinVar (database versions not stated): gnomAD exomes 0.00006; ExAC 0.00009; 1000 Genomes Project 30x 0.00016; 1000 Genomes Project 0.00020; ESP Exome Variant Server 0.00042; gnomAD 0.00046; TOPMed 0.00064.
gnomAD v4.1: 164 of 1,604,014 alleles (0.01%); highest among the groups gnomAD compares: African/African-American, 0.16%; no homozygotes.

Submission:

PreventionGenetics, part of Exact Sciences
Classification: Likely benign for DROSHA-related condition. Last evaluated: 2022-01-10. Review status: no assertion criteria provided. Collection method: clinical testing. Allele origin: germline.
Comment: This variant is classified as likely benign based on ACMG/AMP sequence variant interpretation guidelines (Richards et al. 2015 PMID: 25741868, with internal and published modifications).

NM_001382508.1(DROSHA):c.4032C>T (p.Ile1344=)

Gene: DROSHA (drosha ribonuclease III; minus strand). Cytogenetic location: 5p13.3.
Variant type: single nucleotide variant.
Coding change: c.4032C>T on transcript NM_001382508.1 (MANE Select); coding-DNA position 4032, C replaced by T.
Protein change: p.Ile1344=; no amino-acid change (isoleucine 1344 retained).
Molecular consequence: synonymous variant.
Genome position (GRCh38, 1-based): chr5:31,401,525, G>A on the plus strand (C>T on the coding strand, the complement: DROSHA is on the minus strand). VCF-style: chr5-31401525-G-A. GRCh37 (hg19) VCF-style: chr5-31401632-G-A.
Other names: c.3921C>T, p.Ile1307= (NM_001100412.2); c.4032C>T, p.Ile1344= (NM_013235.5).
Identifiers: ClinVar variation 3057415 (VCV003057415.2), dbSNP rs200996611, ClinGen allele CA3217040.
Genomic context (GRCh38, chr5:31,401,525, plus strand): 5'-TCTCTCTTGATGCTCTCTTTCCCACCTCATTTCTTTTAACTCTTGTCTGTACTTCCGTTC[G>A]ATGAACCGCTTCTGATGGGCCATCTGGGGAAAATTATCTGACACAAGGAAATATATTTTA-3'
Protein context (NP_001369437.1, residues 1334-1354): FPQMAHQKRF[Ile1344=]ERKYRQELKE